The following is an entry in ClinVar:

NM_000179.3(MSH6):c.3008G>A (p.Cys1003Tyr)

Gene: MSH6 (mutS homolog 6; plus strand). Cytogenetic location: 2p16.3.
Variant type: single nucleotide variant.
Coding change: c.3008G>A on transcript NM_000179.3 (MANE Select); coding-DNA position 3008, G replaced by A.
Protein change: p.Cys1003Tyr; replaces cysteine 1003 with tyrosine.
Molecular consequence: missense variant. On other transcripts: non-coding transcript variant (5), intron variant (2).
Genome position (GRCh38, 1-based): chr2:47,800,991, G>A. VCF-style: chr2-47800991-G-A. GRCh37 (hg19) VCF-style: chr2-48028130-G-A.
Other names: c.2618G>A, p.Cys873Tyr (NM_001281492.2); c.2102G>A, p.Cys701Tyr (NM_001281493.2, NM_001281494.2, NM_001406811.1 and 6 more transcripts); c.3104G>A, p.Cys1035Tyr (NM_001406795.1, NM_001406802.1); c.3008G>A, p.Cys1003Tyr (NM_001406796.1, NM_001406798.1, NM_001406800.1 and 2 more transcripts); c.2711G>A, p.Cys904Tyr (NM_001406797.1, NM_001406801.1, NM_001406805.1 and 10 more transcripts); c.2483G>A, p.Cys828Tyr (NM_001406799.1, NM_001406806.1, NM_001406807.1); c.2930G>A, p.Cys977Tyr (NM_001406804.1); c.3014G>A, p.Cys1005Tyr (NM_001406813.1); and 4 more; short protein forms C1005Y, C904Y, C947Y, C828Y, C977Y, C1003Y, C1035Y, C318Y.
Identifiers: ClinVar variation 2567468 (VCV002567468.2), dbSNP rs1558667696, ClinGen allele CA346756411.

ClinVar aggregate classification (germline): Uncertain significance (1 of 4 stars; one submission).

Conditions:
Hereditary cancer-predisposing syndrome. Also called: Hereditary neoplastic syndrome; Hereditary Cancer Syndrome; Neoplastic Syndromes, Hereditary; Tumor predisposition. Identifiers: Orphanet 140162, MedGen C0027672, MeSH D009386, MONDO:0015356.

Submission:

Ambry Genetics
Classification: Uncertain significance for Hereditary cancer-predisposing syndrome. Last evaluated: 2023-05-04. Review status: criteria provided, single submitter. Criteria: Ambry Variant Classification Scheme 2023. Collection method: clinical testing. Allele origin: germline.
Comment: The p.C1003Y variant (also known as c.3008G>A), located in coding exon 4 of the MSH6 gene, results from a G to A substitution at nucleotide position 3008. The cysteine at codon 1003 is replaced by tyrosine, an amino acid with highly dissimilar properties. This amino acid position is not well conserved in available vertebrate species. In addition, this alteration is predicted to be tolerated by in silico analysis. Since supporting evidence is limited at this time, the clinical significance of this alteration remains unclear.